The following is an entry in ClinVar:

ClinVar aggregate classification (germline): Pathogenic (1 of 4 stars; one submission).

Conditions:
Nemaline myopathy 2 (NEM2). Also called: Nemaline myopathy 2, autosomal recessive. Identifiers: MedGen C1850569, MONDO:0009725, OMIM 256030.

Submission:

Labcorp Genetics (formerly Invitae), Labcorp
Classification: Pathogenic for Nemaline myopathy 2. Last evaluated: 2023-08-25. Review status: criteria provided, single submitter. Criteria: Invitae Variant Classification Sherloc (09022015). Collection method: clinical testing. Allele origin: germline.
Comment: This variant is not present in population databases (gnomAD no frequency). This variant has not been reported in the literature in individuals affected with NEB-related conditions. For these reasons, this variant has been classified as Pathogenic. This sequence change creates a premature translational stop signal (p.Tyr391*) in the NEB gene. It is expected to result in an absent or disrupted protein product. Loss-of-function variants in NEB are known to be pathogenic (PMID: 25205138).

Literature cited by the submitters: PubMed 25205138.

NM_001164508.2(NEB):c.1173T>A (p.Tyr391Ter)

Gene: NEB (nebulin; minus strand). Cytogenetic location: 2q23.3.
Variant type: single nucleotide variant.
Coding change: c.1173T>A on transcript NM_001164508.2 (MANE Select); coding-DNA position 1173, T replaced by A.
Protein change: p.Tyr391Ter; replaces tyrosine 391 with a stop codon.
Molecular consequence: nonsense.
Genome position (GRCh38, 1-based): chr2:151,697,628, A>T on the plus strand (T>A on the coding strand, the complement: NEB is on the minus strand). VCF-style: chr2-151697628-A-T. GRCh37 (hg19) VCF-style: chr2-152554142-A-T.
Other names: c.1173T>A, p.Tyr391Ter (NM_001164507.2, NM_001271208.2, NM_004543.5); short protein forms Y391*.
Identifiers: ClinVar variation 2758757 (VCV002758757.3), dbSNP rs766385695, ClinGen allele CA348825993.